The following is an entry in ClinVar:

ClinVar aggregate classification (germline): Uncertain significance (1 of 4 stars; one submission).

Allele frequency attached by ClinVar (database versions not stated): gnomAD 0.00001; TOPMed 0.00001.
gnomAD v4.1: 1 of 1,199,935 alleles (0.000083%); highest among the groups gnomAD compares: Admixed American, 0.0022%; no homozygotes.

Submission:

GeneDx
Classification: Uncertain significance. Last evaluated: 2026-06-30. Review status: criteria provided, single submitter. Criteria: GeneDx Variant Classification Process June 2021. Collection method: clinical testing. Allele origin: germline.
Comment: Not observed at significant frequency in large population cohorts (gnomAD); In silico analysis suggests that this missense variant does not alter protein structure/function; Has not been previously published as pathogenic or benign to our knowledge

NM_001368397.1(FRMPD4):c.1661T>C (p.Ile554Thr)

Gene: FRMPD4 (FERM and PDZ domain containing 4; plus strand). Cytogenetic location: Xp22.2.
Variant type: single nucleotide variant.
Coding change: c.1661T>C on transcript NM_001368397.1 (MANE Select); coding-DNA position 1661, T replaced by C.
Protein change: p.Ile554Thr; replaces isoleucine 554 with threonine.
Molecular consequence: missense variant.
Genome position (GRCh38, 1-based): chrX:12,716,120, T>C. VCF-style: chrX-12716120-T-C. GRCh37 (hg19) VCF-style: chrX-12734239-T-C.
Other names: c.1772T>C, p.Ile591Thr (NM_001368395.3, NM_001368398.3); c.1667T>C, p.Ile556Thr (NM_001368396.3); c.1652T>C, p.Ile551Thr (NM_001368399.3); c.1541T>C, p.Ile514Thr (NM_001368400.3); c.1637T>C, p.Ile546Thr (NM_001368401.1, NM_001368402.3); c.1661T>C, p.Ile554Thr (NM_014728.3); short protein forms I514T, I546T, I551T, I554T, I556T, I591T.
Identifiers: ClinVar variation 2580678 (VCV002580678.2), dbSNP rs1731405504, ClinGen allele CA412309144.
Genomic context (GRCh38, chrX:12,716,120, plus strand): 5'-TCTCTTTAGGACCTGAAAACAAGGGGAAGCATAACCTCCTTGGCCCAGATTGGAACTGTA[T>C]ACCCCAAATGACCACCTTTATTGGCGAAGGGGAACAAGAAGCCCAGATAACATACATAGA-3'
Protein context (NP_001355326.1, residues 544-564): HNLLGPDWNC[Ile554Thr]PQMTTFIGEG